The following is an entry in ClinVar:

ClinVar aggregate classification (germline): Likely benign. Review status: criteria provided, multiple submitters, no conflicts (2 of 4 stars). 2 submissions from 2 submitters: Likely benign (2). Last evaluated 2026-06-29.

Conditions:
RPGRIP1L-related disorder. Also called: RPGRIP1L-related condition; RPGRIP1L-related disorders. Identifiers: MedGen CN239416.
Meckel-Gruber syndrome. Also called: DYSENCEPHALIA SPLANCHNOCYSTICA; Dysencephalia splachnocystica; GRUBER SYNDROME. Identifiers: Orphanet 564, MedGen C0265215, MONDO:0018921.
Joubert syndrome. Also called: Familial aplasia of the vermis; JOUBERT-BOLTSHAUSER SYNDROME. Identifiers: Orphanet 475, MedGen C5979921, MONDO:0018772.

Allele frequency attached by ClinVar (database versions not stated): ExAC 0.00001; gnomAD 0.00001 and 0.00002; gnomAD exomes 0.00001; 1000 Genomes Project 30x 0.00016; 1000 Genomes Project 0.00020.
gnomAD v4.1: 15 of 1,614,076 alleles (0.00093%); highest among the groups gnomAD compares: East Asian, 0.0045%; no homozygotes.

Submissions (2):

PreventionGenetics, part of Exact Sciences
Classification: Likely benign for RPGRIP1L-related condition. Last evaluated: 2026-06-29. Review status: criteria provided, single submitter. Criteria: ACMG Guidelines, 2015. Collection method: clinical testing. Allele origin: germline.
Comment: This variant is classified as likely benign based on ACMG/AMP sequence variant interpretation guidelines (Richards et al. 2015 PMID: 25741868, with internal and published modifications).

Labcorp Genetics (formerly Invitae), Labcorp
Classification: Likely benign for Joubert syndrome; Meckel-Gruber syndrome. Last evaluated: 2025-10-11. Review status: criteria provided, single submitter. Criteria: Invitae Variant Classification Sherloc (09022015). Collection method: clinical testing. Allele origin: germline.

NM_015272.5(RPGRIP1L):c.3714C>T (p.Thr1238=)

Gene: RPGRIP1L (RPGRIP1 like; minus strand). Cytogenetic location: 16q12.2.
Variant type: single nucleotide variant.
Coding change: c.3714C>T on transcript NM_015272.5 (MANE Select); coding-DNA position 3714, C replaced by T.
Protein change: p.Thr1238=; no amino-acid change (threonine 1238 retained).
Molecular consequence: synonymous variant.
Genome position (GRCh38, 1-based): chr16:53,605,602, G>A on the plus strand (C>T on the coding strand, the complement: RPGRIP1L is on the minus strand). VCF-style: chr16-53605602-G-A. GRCh37 (hg19) VCF-style: chr16-53639514-G-A.
Other names: c.3474C>T, p.Thr1158= (NM_001127897.4); c.3576C>T, p.Thr1192= (NM_001308334.3); c.3612C>T, p.Thr1204= (NM_001330538.2); c.3714C>T (NM_015272.4).
Identifiers: ClinVar variation 1135961 (VCV001135961.10), dbSNP rs538306358, ClinGen allele CA8057192.